The following is an entry in ClinVar:

NM_000138.5(FBN1):c.1582T>A (p.Cys528Ser)

Gene: FBN1 (fibrillin 1; minus strand). Cytogenetic location: 15q21.1.
Variant type: single nucleotide variant.
Coding change: c.1582T>A on transcript NM_000138.5 (MANE Select); coding-DNA position 1582, T replaced by A.
Protein change: p.Cys528Ser; replaces cysteine 528 with serine.
Molecular consequence: missense variant.
Genome position (GRCh38, 1-based): chr15:48,513,555, A>T on the plus strand (T>A on the coding strand, the complement: FBN1 is on the minus strand). VCF-style: chr15-48513555-A-T. GRCh37 (hg19) VCF-style: chr15-48805752-A-T.
Other names: c.1582T>A, p.Cys528Ser (NM_001406716.1); short protein forms C528S.
Identifiers: ClinVar variation 3074501 (VCV003074501.1), dbSNP rs2505613470, ClinGen allele CA392341981.

ClinVar aggregate classification (germline): Uncertain significance (1 of 4 stars; one submission).

Conditions:
Marfan syndrome (MFS). Also called: MARFAN SYNDROME, TYPE I; Marfan syndrome type 1; Marfan's syndrome; Marfan syndrome, classic; FBN1-Related Marfan Syndrome. Identifiers: Orphanet 284963, Orphanet 558, MedGen C0024796, MONDO:0007947, OMIM 154700.

Submission:

All of Us Research Program, National Institutes of Health
Classification: Uncertain significance for Marfan syndrome. Last evaluated: 2023-11-20. Review status: criteria provided, single submitter. Criteria: ACMG Guidelines, 2015. Collection method: clinical testing. Allele origin: germline. Inheritance: Autosomal dominant inheritance. Observed: 1 variant allele, 1 heterozygote.
Comment: This missense variant replaces cysteine with serine at codon 528 of the FBN1 protein. Computational prediction suggests that this variant may have deleterious impact on protein structure and function (internally defined REVEL score threshold >= 0.7, PMID: 27666373). To our knowledge, functional studies have not been reported for this variant. This variant has not been reported in individuals affected with FBN1-related disorders in the literature. This variant has not been identified in the general population by the Genome Aggregation Database (gnomAD). The available evidence is insufficient to determine the role of this variant in disease conclusively. Therefore, this variant is classified as a Variant of Uncertain Significance.

This study involves interpretation of variants in research participants for the purpose of population health screening. Participant phenotype was not available at the time of variant classification. Additional details can be found in publication PMID: 35346344, PMCID: PMC8962531